The following is an entry in ClinVar:

ClinVar aggregate classification (germline): Conflicting classifications of pathogenicity. Review status: criteria provided, conflicting classifications (1 of 4 stars). 3 submissions from 3 submitters: Uncertain significance (1); Likely benign (2). Last evaluated 2025-11-16.

Allele frequency attached by ClinVar (database versions not stated): TOPMed 0.00002; gnomAD 0.00003; ExAC 0.00017; 1000 Genomes Project 0.00040; 1000 Genomes Project 30x 0.00047.
gnomAD v4.1: 92 of 1,613,952 alleles (0.0057%); highest among the groups gnomAD compares: South Asian, 0.079%; 1 homozygote.

Submissions (3):

Labcorp Genetics (formerly Invitae), Labcorp
Classification: Likely benign. Last evaluated: 2025-11-16. Review status: criteria provided, single submitter. Criteria: Invitae Variant Classification Sherloc (09022015). Collection method: clinical testing. Allele origin: germline.

CeGaT Center for Human Genetics Tuebingen
Classification: Likely benign. Last evaluated: 2025-04-01. Review status: criteria provided, single submitter. Criteria: CeGaT Center For Human Genetics Tuebingen Variant Classification Criteria Version 2. Collection method: clinical testing. Allele origin: germline. Affected: yes. Observed: 1 variant allele.
Comment: IKZF1: BP4

GeneDx
Classification: Uncertain significance. Last evaluated: 2023-11-05. Review status: criteria provided, single submitter. Criteria: GeneDx Variant Classification Process June 2021. Collection method: clinical testing. Allele origin: germline. Affected: yes.
Comment: In silico analysis supports that this missense variant does not alter protein structure/function; Observed in a pediatric patient with acute lymphoblastic leukemia (PMID: 29681510); Published functional studies demonstrate no impact on protein function (PMID: 29681510); This variant is associated with the following publications: (PMID: 29681510)

NM_006060.6(IKZF1):c.206G>A (p.Arg69His)

Gene: IKZF1 (IKAROS family zinc finger 1; plus strand). Cytogenetic location: 7p12.2.
Variant type: single nucleotide variant.
Coding change: c.206G>A on transcript NM_006060.6 (MANE Select); coding-DNA position 206, G replaced by A.
Protein change: p.Arg69His; replaces arginine 69 with histidine.
Molecular consequence: missense variant. On other transcripts: intron variant (9).
Genome position (GRCh38, 1-based): chr7:50,376,578, G>A. VCF-style: chr7-50376578-G-A. GRCh37 (hg19) VCF-style: chr7-50444276-G-A.
Other names: c.206G>A, p.Arg69His (NM_001220765.3, NM_001220768.2, NM_001220771.2 and 1 more transcripts); c.266G>A, p.Arg89His (NM_001410879.1); c.161-5962G>A (NM_001291839.2, NM_001291838.2, NM_001220767.2 and 1 more transcripts); c.161-10767G>A (NM_001291841.1, NM_001291842.1); c.161-15151G>A (NM_001291843.1, NM_001291844.1); c.161-23340G>A (NM_001291840.1); c.206G>A (NM_006060.5); short protein forms R89H, R69H.
Identifiers: ClinVar variation 2866973 (VCV002866973.11), dbSNP rs144637662, ClinGen allele CA4261262.